The following is an entry in ClinVar:

ClinVar aggregate classification (germline): Uncertain significance (1 of 4 stars; one submission).

Submission:

GeneDx
Classification: Uncertain significance. Last evaluated: 2022-07-13. Review status: criteria provided, single submitter. Criteria: GeneDx Variant Classification Process June 2021. Collection method: clinical testing. Allele origin: germline. Affected: yes.
Comment: Not observed at significant frequency in large population cohorts (gnomAD); In silico analysis supports that this missense variant has a deleterious effect on protein structure/function; Has not been previously published as a pathogenic or benign germline variant to our knowledge; This variant is associated with the following publications: (PMID: 18676759)

NM_000179.3(MSH6):c.740A>T (p.Lys247Ile)

Gene: MSH6 (mutS homolog 6; plus strand). Cytogenetic location: 2p16.3.
Variant type: single nucleotide variant.
Coding change: c.740A>T on transcript NM_000179.3 (MANE Select); coding-DNA position 740, A replaced by T.
Protein change: p.Lys247Ile; replaces lysine 247 with isoleucine.
Molecular consequence: missense variant. On other transcripts: 5 prime UTR variant (2).
Genome position (GRCh38, 1-based): chr2:47,798,723, A>T. VCF-style: chr2-47798723-A-T. GRCh37 (hg19) VCF-style: chr2-48025862-A-T.
Other names: c.350A>T, p.Lys117Ile (NM_001281492.2); c.-167A>T (NM_001281493.2, NM_001281494.2, NM_001406811.1 and 6 more transcripts); c.836A>T, p.Lys279Ile (NM_001406795.1, NM_001406802.1); c.740A>T, p.Lys247Ile (NM_001406796.1, NM_001406798.1, NM_001406800.1 and 4 more transcripts); c.443A>T, p.Lys148Ile (NM_001406797.1, NM_001406801.1, NM_001406805.1 and 10 more transcripts); c.215A>T, p.Lys72Ile (NM_001406799.1, NM_001406806.1, NM_001406807.1); c.662A>T, p.Lys221Ile (NM_001406804.1); c.746A>T, p.Lys249Ile (NM_001406813.1); and 1 more; short protein forms K117I, K148I, K191I, K221I, K247I, K249I, K279I, K72I.
Identifiers: ClinVar variation 1878822 (VCV001878822.1), dbSNP rs2104294707, ClinGen allele CA346740086.